The following is an entry in ClinVar:

NM_001184880.2(PCDH19):c.2861G>A (p.Gly954Glu)

Gene: PCDH19 (protocadherin 19; minus strand). Cytogenetic location: Xq22.1.
Variant type: single nucleotide variant.
Coding change: c.2861G>A on transcript NM_001184880.2 (MANE Select); coding-DNA position 2861, G replaced by A.
Protein change: p.Gly954Glu; replaces glycine 954 with glutamic acid.
Molecular consequence: missense variant.
Genome position (GRCh38, 1-based): chrX:100,296,863, C>T on the plus strand (G>A on the coding strand, the complement: PCDH19 is on the minus strand). VCF-style: chrX-100296863-C-T. GRCh37 (hg19) VCF-style: chrX-99551861-C-T.
Other names: c.2720G>A, p.Gly907Glu (NM_001105243.2); c.2717G>A, p.Gly906Glu (NM_020766.3); short protein forms G906E, G907E, G954E.
Identifiers: ClinVar variation 2673249 (VCV002673249.23), dbSNP rs2520450045, ClinGen allele CA414000975.

ClinVar aggregate classification (germline): Uncertain significance (1 of 4 stars; one submission).

Submission:

CeGaT Center for Human Genetics Tuebingen
Classification: Uncertain significance. Last evaluated: 2023-11-01. Review status: criteria provided, single submitter. Criteria: CeGaT Center For Human Genetics Tuebingen Variant Classification Criteria Version 2. Collection method: clinical testing. Allele origin: germline. Affected: yes. Observed: 1 variant allele.
Comment: PCDH19: PM2